The following is an entry in ClinVar:

ClinVar aggregate classification (germline): Uncertain significance (1 of 4 stars; one submission).

Submission:

Mayo Clinic Laboratories, Mayo Clinic
Classification: Uncertain significance. Last evaluated: 2025-10-12. Review status: criteria provided, single submitter. Criteria: ACMG Guidelines, 2015. Collection method: clinical testing. Allele origin: germline. Observed: 1 variant allele.
Comment: PM2_supporting

NM_018116.4(MSTO1):c.1013A>G (p.Asp338Gly)

Gene: MSTO1 (misato mitochondrial distribution and morphology regulator 1; plus strand). Cytogenetic location: 1q22.
Variant type: single nucleotide variant.
Coding change: c.1013A>G on transcript NM_018116.4 (MANE Select); coding-DNA position 1013, A replaced by G.
Protein change: p.Asp338Gly; replaces aspartic acid 338 with glycine.
Molecular consequence: missense variant. On other transcripts: non-coding transcript variant (6).
Genome position (GRCh38, 1-based): chr1:155,612,890, A>G. VCF-style: chr1-155612890-A-G. GRCh37 (hg19) VCF-style: chr1-155582681-A-G.
Other names: p.Asp338Gly; c.479A>G, p.Asp160Gly (NM_001350780.1, NM_001350781.1, NM_001350782.1 and 3 more transcripts); c.470A>G, p.Asp157Gly (NM_001350784.1, NM_001350785.1, NM_001350787.1 and 1 more transcripts); c.1013A>G, p.Asp338Gly (NM_001256532.1, NM_001256533.1, NM_001350772.1 and 3 more transcripts); c.848A>G, p.Asp283Gly (NM_001350776.1); c.482A>G, p.Asp161Gly (NM_001350777.1, NM_001350778.1, NM_001350779.1); short protein forms D161G, D157G, D160G, D283G, D338G.
Identifiers: ClinVar variation 4541568 (VCV004541568.1).